The following is an entry in ClinVar:

ClinVar aggregate classification (germline): Uncertain significance (1 of 4 stars; one submission).

Conditions:
Costello syndrome (CSTLO). Also called: FACIOCUTANEOSKELETAL SYNDROME; FCS SYNDROME; HRAS-Related Costello Syndrome. Identifiers: Orphanet 3071, MedGen C0587248, MONDO:0009026, OMIM 218040.

Allele frequency attached by ClinVar (database versions not stated): gnomAD exomes below 0.00001; ExAC 0.00001.
gnomAD v4.1: 5 of 1,613,806 alleles (0.00031%); highest among the groups gnomAD compares: South Asian, 0.0011%; no homozygotes.

Submission:

Labcorp Genetics (formerly Invitae), Labcorp
Classification: Uncertain significance for Costello syndrome. Last evaluated: 2022-03-08. Review status: criteria provided, single submitter. Criteria: Invitae Variant Classification Sherloc (09022015). Collection method: clinical testing. Allele origin: germline.
Comment: Algorithms developed to predict the effect of missense changes on protein structure and function are either unavailable or do not agree on the potential impact of this missense change (SIFT: "Deleterious"; PolyPhen-2: "Benign"; Align-GVGD: "Class C55"). This variant has not been reported in the literature in individuals affected with HRAS-related conditions. This variant is present in population databases (rs751137946, gnomAD 0.003%). This sequence change replaces glutamic acid, which is acidic and polar, with lysine, which is basic and polar, at codon 98 of the HRAS protein (p.Glu98Lys). In summary, the available evidence is currently insufficient to determine the role of this variant in disease. Therefore, it has been classified as a Variant of Uncertain Significance. Algorithms developed to predict the effect of sequence changes on RNA splicing suggest that this variant may create or strengthen a splice site.

NM_005343.4(HRAS):c.292G>A (p.Glu98Lys)

Genes: HRAS (HRas proto-oncogene, GTPase; minus strand), LRRC56 (leucine rich repeat containing 56; plus strand). Cytogenetic location: 11p15.5.
Variant type: single nucleotide variant.
Coding change: c.292G>A on transcript NM_005343.4 (MANE Select); coding-DNA position 292, G replaced by A.
Protein change: p.Glu98Lys; replaces glutamic acid 98 with lysine.
Molecular consequence: missense variant. On other transcripts: 5 prime UTR variant (1).
Genome position (GRCh38, 1-based): chr11:533,611, C>T on the plus strand (G>A on the coding strand, the complement: HRAS is on the minus strand). VCF-style: chr11-533611-C-T. GRCh37 (hg19) VCF-style: chr11-533611-C-T.
Other names: c.292G>A, p.Glu98Lys (NM_001130442.3, NM_176795.5); c.-28G>A (NM_001318054.2); short protein forms E98K.
Identifiers: ClinVar variation 1437033 (VCV001437033.6), dbSNP rs751137946, ClinGen allele CA5779336.
Genomic context (GRCh38, chr11:533,611, plus strand): 5'-ACTTGTTCCCCACCAGCACCATGGGCACGTCATCCGAGTCCTTCACCCGTTTGATCTGCT[C>T]CCTGAGAGGTGGAAAGCGAGAGCTGGCTACGGGGGCTGCAGGCGCAGCGGCATCCAGGAC-3'
Protein context (NP_005334.1, residues 88-108): KSFEDIHQYR[Glu98Lys]QIKRVKDSDD